The following is an entry in ClinVar:

NM_198060.4(NRAP):c.993+8C>A

Gene: NRAP (nebulin related anchoring protein; minus strand). Cytogenetic location: 10q25.3.
Variant type: single nucleotide variant.
Coding change: c.993+8C>A on transcript NM_198060.4 (MANE Select); 8 bases into the intron after coding-DNA position 993, C replaced by A.
Molecular consequence: intron variant.
Genome position (GRCh38, 1-based): chr10:113,646,915, G>T on the plus strand (C>A on the coding strand, the complement: NRAP is on the minus strand). VCF-style: chr10-113646915-G-T. GRCh37 (hg19) VCF-style: chr10-115406674-G-T.
Other names: c.993+8C>A (NM_006175.5, NM_001322945.2, NM_001261463.2 and 1 more transcripts).
Identifiers: ClinVar variation 790359 (VCV000790359.30), dbSNP rs193051579, ClinGen allele CA5695732.

ClinVar aggregate classification (germline): Benign/Likely benign. Review status: criteria provided, multiple submitters, no conflicts (2 of 4 stars). 5 submissions from 5 submitters: Benign (2); Likely benign (2). 1 of the submissions does not count toward it. Last evaluated 2025-04-09.

Conditions:
NRAP-related disorder. Also called: NRAP-related condition.

Allele frequency attached by ClinVar (database versions not stated): 1000 Genomes Project 30x 0.00094; 1000 Genomes Project 0.00100; gnomAD 0.00302 and 0.00308; TOPMed 0.00308; ESP Exome Variant Server 0.00338.
gnomAD v4.1: 5,516 of 1,592,816 alleles (0.35%); highest among the groups gnomAD compares: Middle Eastern, 1%; 15 homozygotes.

Submissions (5):

Molecular Diagnostic Laboratory for Inherited Cardiovascular Disease, Montreal Heart Institute
Classification: Likely benign. Last evaluated: 2025-04-09. Review status: criteria provided, single submitter. Criteria: ACMG Guidelines, 2015. Collection method: clinical testing. Allele origin: germline. Affected: no.

CeGaT Center for Human Genetics Tuebingen
Classification: Likely benign. Last evaluated: 2023-03-01. Review status: criteria provided, single submitter. Criteria: CeGaT Center For Human Genetics Tuebingen Variant Classification Criteria Version 2. Collection method: clinical testing. Allele origin: germline. Affected: yes. Observed: 1 variant allele.
Comment: NRAP: BP4, BS2

Labcorp Genetics (formerly Invitae), Labcorp
Classification: Benign. Last evaluated: 2018-12-03. Review status: criteria provided, single submitter. Criteria: Invitae Variant Classification Sherloc (09022015). Collection method: clinical testing. Allele origin: germline.

Breakthrough Genomics
Classification: Benign. Review status: criteria provided, single submitter. Criteria: ACMG Guidelines, 2015. Collection method: not provided. Allele origin: germline. Inheritance: Unknown mechanism. Affected: yes.

PreventionGenetics, part of Exact Sciences
Classification: Likely benign for NRAP-related condition. Last evaluated: 2019-04-16. Review status: no assertion criteria provided. Collection method: clinical testing. Allele origin: germline. Not counted in ClinVar's aggregate classification.
Comment: This variant is classified as likely benign based on ACMG/AMP sequence variant interpretation guidelines (Richards et al. 2015 PMID: 25741868, with internal and published modifications).